The following is an entry in ClinVar:

ClinVar aggregate classification (germline): Uncertain significance. Review status: criteria provided, multiple submitters, no conflicts (2 of 4 stars). 2 submissions from 2 submitters: Uncertain significance (2). Last evaluated 2023-05-08.

Conditions:
Cardiovascular phenotype. Identifiers: MedGen CN230736.
Hypertrophic cardiomyopathy 26. Also called: Cardiomyopathy, familial hypertrophic, 26. Identifiers: Orphanet 75249, MedGen C4310749, MONDO:0014883, OMIM 617047.
Myofibrillar myopathy 5. Also called: Filaminopathy (type); FILAMINOPATHY, AUTOSOMAL DOMINANT. Identifiers: Orphanet 171445, MedGen C1836050, MONDO:0012289, OMIM 609524.
Distal myopathy with posterior leg and anterior hand involvement. Also called: WILLIAMS DISTAL MYOPATHY. Identifiers: Orphanet 63273, MedGen C3279722, MONDO:0013550, OMIM 614065.

Submissions (2):

Ambry Genetics
Classification: Uncertain significance for Cardiovascular phenotype. Last evaluated: 2023-05-08. Review status: criteria provided, single submitter. Criteria: Ambry Variant Classification Scheme 2023. Collection method: clinical testing. Allele origin: germline.
Comment: The c.7561G>C variant (also known as p.G2521R), located in coding exon 45 of the FLNC gene, results from a G to C substitution at nucleotide position 7561. The amino acid change results in glycine to arginine at codon 2521, an amino acid with dissimilar properties. However, this change occurs in the last base pair of coding exon 45, which makes it likely to have some effect on normal mRNA splicing. This nucleotide position is highly conserved in available vertebrate species. This amino acid position is highly conserved in available vertebrate species. In silico splice site analysis predicts that this alteration will not have any significant effect on splicing. In addition, as a missense substitution this is predicted to be deleterious by in silico analysis. Since supporting evidence is limited at this time, the clinical significance of this alteration remains unclear.

Labcorp Genetics (formerly Invitae), Labcorp
Classification: Uncertain significance for Distal myopathy with posterior leg and anterior hand involvement; Myofibrillar myopathy 5; Hypertrophic cardiomyopathy 26. Last evaluated: 2022-08-16. Review status: criteria provided, single submitter. Criteria: Invitae Variant Classification Sherloc (09022015). Collection method: clinical testing. Allele origin: germline.
Comment: In summary, the available evidence is currently insufficient to determine the role of this variant in disease. Therefore, it has been classified as a Variant of Uncertain Significance. Variants that disrupt the consensus splice site are a relatively common cause of aberrant splicing (PMID: 17576681, 9536098). Algorithms developed to predict the effect of sequence changes on RNA splicing suggest that this variant may disrupt the consensus splice site. Algorithms developed to predict the effect of missense changes on protein structure and function are either unavailable or do not agree on the potential impact of this missense change (SIFT: "Deleterious"; PolyPhen-2: "Probably Damaging"; Align-GVGD: "Class C15"). This variant has not been reported in the literature in individuals affected with FLNC-related conditions. This variant is not present in population databases (gnomAD no frequency). This sequence change replaces glycine, which is neutral and non-polar, with arginine, which is basic and polar, at codon 2521 of the FLNC protein (p.Gly2521Arg). This variant also falls at the last nucleotide of exon 45, which is part of the consensus splice site for this exon.

Literature cited by the submitters: PubMed 17576681 (cited by Labcorp Genetics (formerly Invitae), Labcorp); PubMed 9536098 (cited by Labcorp Genetics (formerly Invitae), Labcorp).

NM_001458.5(FLNC):c.7561G>C (p.Gly2521Arg)

Genes: FLNC (filamin C; plus strand), FLNC-AS1 (FLNC antisense RNA 1; minus strand). Cytogenetic location: 7q32.1.
Variant type: single nucleotide variant.
Coding change: c.7561G>C on transcript NM_001458.5 (MANE Select); coding-DNA position 7561, G replaced by C.
Protein change: p.Gly2521Arg; replaces glycine 2521 with arginine.
Molecular consequence: missense variant.
Genome position (GRCh38, 1-based): chr7:128,856,921, G>C. VCF-style: chr7-128856921-G-C. GRCh37 (hg19) VCF-style: chr7-128496975-G-C.
Other names: c.7462G>C, p.Gly2488Arg (NM_001127487.2); short protein forms G2488R, G2521R.
Identifiers: ClinVar variation 2088709 (VCV002088709.6), dbSNP rs746969946, ClinGen allele CA369219033.